The following is an entry in ClinVar:

ClinVar aggregate classification (germline): Uncertain significance (1 of 4 stars; one submission).

Conditions:
Charcot-Marie-Tooth disease type 2. Also called: Charcot-Marie-Tooth type 2. Identifiers: Orphanet 64746, MedGen C0270914, MONDO:0018993.

Allele frequency attached by ClinVar (database versions not stated): TOPMed below 0.00001.

Submission:

Labcorp Genetics (formerly Invitae), Labcorp
Classification: Uncertain significance for Charcot-Marie-Tooth disease type 2. Last evaluated: 2019-01-26. Review status: criteria provided, single submitter. Criteria: Invitae Variant Classification Sherloc (09022015). Collection method: clinical testing. Allele origin: germline.
Comment: In summary, the available evidence is currently insufficient to determine the role of this variant in disease. Therefore, it has been classified as a Variant of Uncertain Significance. Algorithms developed to predict the effect of missense changes on protein structure and function (SIFT, PolyPhen-2, Align-GVGD) all suggest that this variant is likely to be tolerated, but these predictions have not been confirmed by published functional studies and their clinical significance is uncertain. This variant has not been reported in the literature in individuals with MED25-related conditions. This variant is not present in population databases (ExAC no frequency). This sequence change replaces proline with serine at codon 729 of the MED25 protein (p.Pro729Ser). The proline residue is moderately conserved and there is a moderate physicochemical difference between proline and serine.

NM_030973.4(MED25):c.2185C>T (p.Pro729Ser)

Gene: MED25 (mediator complex subunit 25; plus strand). Cytogenetic location: 19q13.33.
Variant type: single nucleotide variant.
Coding change: c.2185C>T on transcript NM_030973.4 (MANE Select); coding-DNA position 2185, C replaced by T.
Protein change: p.Pro729Ser; replaces proline 729 with serine.
Molecular consequence: missense variant. On other transcripts: intron variant (1).
Genome position (GRCh38, 1-based): chr19:49,836,885, C>T. VCF-style: chr19-49836885-C-T. GRCh37 (hg19) VCF-style: chr19-50340142-C-T.
Other names: c.2146+479C>T (NM_001378355.1); short protein forms P729S.
Identifiers: ClinVar variation 852092 (VCV000852092.9), dbSNP rs536619167, ClinGen allele CA406922537.